The following is an entry in ClinVar:

ClinVar aggregate classification (germline): Conflicting classifications of pathogenicity. Review status: criteria provided, conflicting classifications (1 of 4 stars). 4 submissions from 3 submitters: Uncertain significance (3); Benign (1). Last evaluated 2025-11-17.

Conditions:
Cardiovascular phenotype. Identifiers: MedGen CN230736.
Hereditary cancer-predisposing syndrome. Also called: Tumor predisposition; Hereditary Cancer Syndrome; Hereditary neoplastic syndrome; Neoplastic Syndromes, Hereditary. Identifiers: Orphanet 140162, MedGen C0027672, MeSH D009386, MONDO:0015356.
Juvenile myelomonocytic leukemia (JMML). Also called: LEUKEMIA, JUVENILE MYELOMONOCYTIC, SOMATIC. Identifiers: Orphanet 86834, MedGen C0349639, MONDO:0011908, OMIM 607785, HP:0012209.
Neurofibromatosis, type 1 (NF1). Also called: VON RECKLINGHAUSEN DISEASE; NEUROFIBROMATOSIS, TYPE I, SOMATIC; Peripheral type neurofibromatosis; Neurofibromatosis, type I. Identifiers: Orphanet 636, MedGen C0027831, MONDO:0018975, OMIM 162200. Disease mechanism: loss of function.

Submissions (4):

Labcorp Genetics (formerly Invitae), Labcorp
Classification: Benign for Neurofibromatosis, type 1. Last evaluated: 2025-11-17. Review status: criteria provided, single submitter. Criteria: Invitae Variant Classification Sherloc (09022015). Collection method: clinical testing. Allele origin: germline.

Baylor Genetics
Classification: Uncertain significance for Juvenile myelomonocytic leukemia. Last evaluated: 2023-10-12. Review status: criteria provided, single submitter. Criteria: ACMG Guidelines, 2015. Collection method: clinical testing. Allele origin: unknown.

Ambry Genetics
Classification: Uncertain significance for Cardiovascular phenotype; Hereditary cancer-predisposing syndrome. Last evaluated: 2018-05-23. Review status: criteria provided, single submitter. Criteria: Ambry Variant Classification Scheme 2023. Collection method: clinical testing. Allele origin: germline.

Ambry Genetics
Classification: Uncertain significance for Hereditary cancer-predisposing syndrome. Last evaluated: 2015-06-24. Review status: criteria provided, single submitter. Criteria: Ambry Autosomal Dominant and X-Linked criteria (10/2015). Collection method: clinical testing. Allele origin: germline. Observed: 1 variant allele.
Comment: The p.E126D variant (also known as c.378A>C), located in coding exon 4 of the NF1 gene, results from an A to C substitution at nucleotide position 378. The glutamic acid at codon 126 is replaced by aspartic acid, an amino acid with highly similar properties. This variant was not reported in population based cohorts in the following databases: Database of Single Nucleotide Polymorphisms (dbSNP), NHLBI Exome Sequencing Project (ESP), and 1000 Genomes Project. In the ESP, this variant was not observed in 6503 samples (13006 alleles) with coverage at this position. To date, this alteration has been detected with an allele frequency of approximately 0.004% (greater than 55000 alleles tested) in our clinical cohort. This amino acid position is highly conserved in available vertebrate species. In addition, the in silico prediction for this alteration is inconclusive. Since supporting evidence is limited at this time, the clinical significance of p.E126D remains unclear.

NM_001042492.3(NF1):c.378A>C (p.Glu126Asp)

Gene: NF1 (neurofibromin 1; plus strand). Cytogenetic location: 17q11.2.
Variant type: single nucleotide variant.
Coding change: c.378A>C on transcript NM_001042492.3 (MANE Select); coding-DNA position 378, A replaced by C.
Protein change: p.Glu126Asp; replaces glutamic acid 126 with aspartic acid.
Molecular consequence: missense variant.
Genome position (GRCh38, 1-based): chr17:31,163,275, A>C. VCF-style: chr17-31163275-A-C. GRCh37 (hg19) VCF-style: chr17-29490293-A-C.
Other names: c.378A>C, p.Glu126Asp (NM_000267.4, NM_001128147.3); short protein forms E126D.
Identifiers: ClinVar variation 185081 (VCV000185081.13), dbSNP rs786201914, ClinGen allele CA190952.